The following is an entry in ClinVar:

ClinVar aggregate classification (germline): Pathogenic (1 of 4 stars; one submission).

Conditions:
Ataxia-telangiectasia-like disorder (ATLD). Identifiers: MedGen C1858391, MONDO:0011457.

Submission:

Labcorp Genetics (formerly Invitae), Labcorp
Classification: Pathogenic for Ataxia-telangiectasia-like disorder. Last evaluated: 2020-09-09. Review status: criteria provided, single submitter. Criteria: Invitae Variant Classification Sherloc (09022015). Collection method: clinical testing. Allele origin: germline.
Comment: This variant has not been reported in the literature in individuals with MRE11-related conditions. This variant is an out-of-frame deletion of the genomic region encompassing exon(s) 15 of the MRE11 gene. This is expected to create a premature translational stop signal and result in an absent or disrupted protein product. Loss-of-function variants in MRE11 are known to be pathogenic (PMID: 23080121, 23912341). For these reasons, this variant has been classified as Pathogenic.

Literature cited by the submitters: PubMed 23080121; PubMed 23912341.

NC_000011.9:g.(?_94180375)_(94180614_?)del

Gene: MRE11 (MRE11 homolog, double strand break repair nuclease; minus strand). Cytogenetic location: 11q21.
Variant type: Deletion.
Identifiers: ClinVar variation 1076039 (VCV001076039.5).